The following is an entry in ClinVar:

ClinVar aggregate classification (germline): Conflicting classifications of pathogenicity. Review status: criteria provided, conflicting classifications (1 of 4 stars). 6 submissions from 6 submitters: Pathogenic (1); Likely pathogenic (3); Uncertain significance (1). 1 of the submissions does not count toward it. Last evaluated 2026-09-01.

Conditions:
ALPL-related disorder. Also called: ALPL-related disorders; ALPL-related condition.
Hypophosphataemia or rickets.
Inborn genetic diseases. Identifiers: MedGen C0950123, MeSH D030342.
Hypophosphatasia. Also called: Phosphoethanol-aminuria. Identifiers: Orphanet 436, MedGen C0020630, MeSH D007014, MONDO:0018570.
Infantile hypophosphatasia. Identifiers: Orphanet 247651, Orphanet 436, MedGen C0268412, MONDO:1010169, OMIM 241500, MONDO:0009427.

Submissions (6):

Cambridge Genomics Laboratory, East Genomic Laboratory Hub, NHS Genomic Medicine Service
Classification: Likely pathogenic for Hypophosphataemia or rickets. Last evaluated: 2026-09-01. Review status: criteria provided, single submitter. Criteria: ACGS Best Practice Guidelines for Variant Classification in Rare Disease 2020. Collection method: clinical testing. Allele origin: germline. Affected: yes.
Comment: PVS1_Moderate,PS4_Supporting,PM2_Supporting,PM5

Ambry Genetics
Classification: Uncertain significance for Inborn genetic diseases. Last evaluated: 2026-01-08. Review status: criteria provided, single submitter. Criteria: Ambry Variant Classification Scheme 2023. Collection method: clinical testing. Allele origin: germline.
Comment: The c.1553_1568del16 (p.Y518Cfs*83) alteration, located in exon 12 (coding exon 11) of the ALPL gene, consists of a deletion of 16 nucleotides from position 1553 to 1568, causing a translational frameshift with a predicted alternate stop codon after 83 amino acids. This alteration occurs at the 3' terminus of the ALPL gene, is not expected to trigger nonsense-mediated mRNA decay and results in the elongation of the protein by 75 amino acids. This frameshift impacts the last 7 amino acids of the native protein. The exact functional effect of the altered amino acids is unknown. This variant was not reported in population-based cohorts in the Genome Aggregation Database (gnomAD). Based on insufficient or conflicting evidence, the clinical significance of this alteration remains unclear.

Labcorp Genetics (formerly Invitae), Labcorp
Classification: Pathogenic. Last evaluated: 2025-11-05. Review status: criteria provided, single submitter. Criteria: Invitae Variant Classification Sherloc (09022015). Collection method: clinical testing. Allele origin: germline.
Comment: This sequence change is expected to alter the c-terminus of the ALPL protein (p.Tyr518Cysfs*83). While this is not anticipated to result in nonsense mediated decay, it is expected to disrupt the last 7 amino acid(s) of the ALPL protein and extend the protein by 75 additional amino acid residues. This variant is present in population databases (rs772638759, gnomAD 0.003%). This variant has not been reported in the literature in individuals affected with ALPL-related conditions. ClinVar contains an entry for this variant (Variation ID: 557058). This variant results in an extension of the ALPL protein. Other variant(s) that result in a similarly extended protein product (p.Leu520Argfs*86) have been determined to be pathogenic (PMID: 7833929, 9814472, 15660230, 24334170, 28802630). This suggests that these extensions are likely to be disease-causing. For these reasons, this variant has been classified as Pathogenic.

Blueprint Genetics
Classification: Likely pathogenic for ALPL-related disorders. Last evaluated: 2024-10-11. Review status: criteria provided, single submitter. Criteria: ACMG Guidelines, 2015. Collection method: clinical testing. Allele origin: germline. Affected: yes. Observed: 2 variant alleles.

Women's Health and Genetics/Laboratory Corporation of America, LabCorp
Classification: Likely pathogenic for Hypophosphatasia. Last evaluated: 2022-12-28. Review status: criteria provided, single submitter. Criteria: LabCorp Variant Classification Summary - May 2015. Collection method: clinical testing. Allele origin: germline.
Comment: Variant summary: ALPL c.1553_1568del16 (p.Tyr518CysfsX83) causes a frameshift which results in an extension of the protein. Other variants that result in a similar extension of the protein product have been classified as pathogenic within our laboratory (e.g. c.1559del [p.Leu520fs] ClinVar:13674). The variant allele was found at a frequency of 1.3e-05 in 232712 control chromosomes (gnomAD). To our knowledge, no occurrences of c.1553_1568del16 in individuals affected with Hypophosphatasia and no experimental evidence demonstrating an impact on protein function has been reported. Two ClinVar submitters have assessed the variant since 2014: one classified the variant as likely pathogenic and one as pathogenic. Based on the evidence outlined above, the variant was classified as likely pathogenic.

Counsyl
Classification: Likely pathogenic for Infantile hypophosphatasia. Last evaluated: 2018-03-09. Review status: no assertion criteria provided. Collection method: clinical testing. Allele origin: unknown. Not counted in ClinVar's aggregate classification.

Literature cited by the submitters: PubMed 7833929 (cited by Labcorp Genetics (formerly Invitae), Labcorp); PubMed 9814472 (cited by Labcorp Genetics (formerly Invitae), Labcorp); PubMed 15660230 (cited by Labcorp Genetics (formerly Invitae), Labcorp); PubMed 24334170 (cited by Labcorp Genetics (formerly Invitae), Labcorp); PubMed 28802630 (cited by Labcorp Genetics (formerly Invitae), Labcorp); PubMed 29760218 (cited by Women's Health and Genetics/Laboratory Corporation of America, LabCorp).

NM_000478.6(ALPL):c.1553_1568del (p.Tyr518fs)

Gene: ALPL (alkaline phosphatase, biomineralization associated; plus strand). Cytogenetic location: 1p36.12.
Variant type: Deletion.
Coding change: c.1553_1568del on transcript NM_000478.6 (MANE Select); coding-DNA positions 1553 to 1568, 16 bases deleted (ACCCCCTGAGCGTCCT).
Protein change: p.Tyr518fs; shifts the reading frame from tyrosine 518.
Molecular consequence: frameshift variant.
Genome position (GRCh38, 1-based): chr1:21,577,626-21,577,641, ACCCCCTGAGCGTCCT deleted; deleting any 16 consecutive bases within chr1:21,577,624-21,577,641 gives the same sequence; the c. name uses the placement nearest the transcript's 3' end. VCF-style (leftmost placement, unchanged base first): chr1-21577623-TCTACCCCCTGAGCGTC-T. GRCh37 (hg19) VCF-style: chr1-21904116-TCTACCCCCTGAGCGTC-T.
Other names: c.1388_1403del, p.Tyr463fs (NM_001127501.4); c.1322_1337del, p.Tyr441fs (NM_001177520.3); c.1553_1568del, p.Tyr518fs (NM_001369803.2, NM_001369804.2, NM_001369805.2); short protein forms Y441fs, Y463fs, Y518fs.
Identifiers: ClinVar variation 557058 (VCV000557058.12), dbSNP rs772638759, ClinGen allele CA666880.